The following is an entry in ClinVar:

ClinVar aggregate classification (germline): Pathogenic. Review status: reviewed by expert panel (3 of 4 stars). 4 submissions from 4 submitters: Pathogenic (1). 3 of the submissions do not count toward it. Last evaluated 2024-08-30.

Conditions:
Monogenic diabetes. Identifiers: Orphanet 183625, MedGen C3888631, MONDO:0015967.
Maturity-onset diabetes of the young type 1. Also called: MILD JUVENILE DIABETES MELLITUS; MODY, type I; HNF4A-Related Maturity-Onset Diabetes of the Young Type 1; MODY type 1; Diabetes mellitus MODY type 1; MODY HNF4A related. Identifiers: Orphanet 552, MedGen C1852093, MONDO:0007452, OMIM 125850. Disease mechanism: loss of function.

Submissions (4):

ClinGen Monogenic Diabetes Variant Curation Expert Panel
Classification: Pathogenic for Monogenic diabetes. Last evaluated: 2024-08-30. Review status: reviewed by expert panel. Criteria: ClinGen Diabetes ACMG Specifications HNF4A V2.0.0. Collection method: curation. Allele origin: germline. Inheritance: Autosomal dominant inheritance.
Comment: The c.763C>T variant in the hepatocyte nuclear factor 4-alpha gene, HNF4A, results in a premature termination at codon 255 (p.(Gln255Ter)) of NM_175914.5. This variant is absent in gnomAD v2.1.1 (PM2_Supporting) and located in biologically relevant exon 7 of 10, is predicted to lead to nonsense-mediated decay in a gene in which loss-of-function is an established disease mechanism (PVS1; PMID: 23348805). This variant was identified in five unrelated individuals with non-autoimmune and non-absolute/near-absolute insulin-deficient diabetes (PS4_Moderate; PMID: 8945471, 22060211, internal lab contributors). This variant was segregated with diabetes, with at least 33 informative meioses in three families (PP1_Strong; PMID: 8945471, internal lab contributors). This variant was identified in an individual with a clinical history highly specific for HNF4A-MODY (MODY probability calculator result >50% and, negative genetic testing for HNF1A) (PP4; internal lab contributors). In summary, c.763C>T meets the criteria to be classified as pathogenic for monogenic diabetes. ACMG/AMP criteria applied, as specified by the ClinGen MDEP (specification version 2.0.0, approved 10/11/2023): PVS1, PS4_moderate, PP1_strong, PP4, PM2_Supporting.

Labcorp Genetics (formerly Invitae), Labcorp
Classification: Pathogenic. Last evaluated: 2026-01-04. Review status: criteria provided, single submitter. Criteria: Invitae Variant Classification Sherloc (09022015). Collection method: clinical testing. Allele origin: germline. Not counted in ClinVar's aggregate classification.
Comment: This sequence change creates a premature translational stop signal (p.Gln255*) in the HNF4A gene. It is expected to result in an absent or disrupted protein product. Loss-of-function variants in HNF4A are known to be pathogenic (PMID: 20164212, 23275527, 23348805, 24097065). This variant is not present in population databases (gnomAD no frequency). This premature translational stop signal has been observed in individual(s) with HNF4A-related conditions (PMID: 8945471). This variant is also known as Q268X. ClinVar contains an entry for this variant (Variation ID: 9210). For these reasons, this variant has been classified as Pathogenic.

Athena Diagnostics
Classification: Pathogenic. Last evaluated: 2021-04-20. Review status: criteria provided, single submitter. Criteria: Athena Diagnostics criteria. Collection method: clinical testing. Allele origin: unknown. Not counted in ClinVar's aggregate classification.
Comment: This variant is expected to result in the loss of a functional protein. This variant has not been reported in large, multi-ethnic general populations. In some published literature, this variant is referred to as Q268X. This variant has been identified in at least one family with clinical features associated with this gene, where incomplete penetrance was noted (PMID: 8945471). Assessment of experimental evidence suggests this variant results in abnormal protein function. This variant results in the loss of transcriptional transactivation activity (PMID: 9371825).

OMIM
Classification: Pathogenic for MATURITY-ONSET DIABETES OF THE YOUNG, TYPE 1. Last evaluated: 2001-09-27. Review status: no assertion criteria provided. Collection method: literature only. Allele origin: germline. Not counted in ClinVar's aggregate classification.

Literature cited by the submitters: PubMed 20164212 (cited by Labcorp Genetics (formerly Invitae), Labcorp); PubMed 23275527 (cited by Labcorp Genetics (formerly Invitae), Labcorp); PubMed 23348805 (cited by Labcorp Genetics (formerly Invitae), Labcorp); PubMed 24097065 (cited by Labcorp Genetics (formerly Invitae), Labcorp); PubMed 8945471 (cited by 3 submitters); PubMed 10905494 (cited by Athena Diagnostics); PubMed 30191603 (cited by Athena Diagnostics); PubMed 10606640 (cited by Athena Diagnostics); PubMed 17389749 (cited by Athena Diagnostics); PubMed 9371825 (cited by Athena Diagnostics); PubMed 11575290 (cited by OMIM).

NM_175914.5(HNF4A):c.763C>T (p.Gln255Ter)

Gene: HNF4A (hepatocyte nuclear factor 4 alpha; plus strand). Cytogenetic location: 20q13.12.
Variant type: single nucleotide variant.
Coding change: c.763C>T on transcript NM_175914.5 (MANE Select); coding-DNA position 763, C replaced by T.
Protein change: p.Gln255Ter; replaces glutamine 255 with a stop codon.
Molecular consequence: nonsense.
Genome position (GRCh38, 1-based): chr20:44,419,813, C>T. VCF-style: chr20-44419813-C-T. GRCh37 (hg19) VCF-style: chr20-43048453-C-T.
Other names: Q268*; NM_175914.5(HNF4A):c.763C>T; p.Gln255Ter; c.829C>T, p.Gln277Ter (NM_000457.6, NM_178849.3, NM_178850.3); c.763C>T, p.Gln255Ter (NM_001030003.3, NM_001030004.3); c.808C>T, p.Gln270Ter (NM_001258355.2); c.754C>T, p.Gln252Ter (NM_001287182.2, NM_001287183.2, NM_001287184.2); short protein forms Q255*, Q270*, Q277*, Q252*.
Identifiers: ClinVar variation 9210 (VCV000009210.8), dbSNP rs137853334, ClinGen allele CA120182.